The following is an entry in ClinVar:

ClinVar aggregate classification (germline): Likely pathogenic (1 of 4 stars; one submission).

Conditions:
Rubinstein-Taybi syndrome due to CREBBP mutations (RSTS1). Also called: BROAD THUMBS AND GREAT TOES, CHARACTERISTIC FACIES, AND IMPAIRED INTELLECTUAL DEVELOPMENT; RUBINSTEIN SYNDROME; BROAD THUMB-HALLUX SYNDROME; RUBINSTEIN-TAYBI SYNDROME 1, INCOMPLETE; Rubinstein-Taybi syndrome 1; CREBBP-Related Rubinstein-Taybi Syndrome. Identifiers: Orphanet 353277, Orphanet 783, MedGen C4551859, MONDO:0008393, OMIM 180849.

Submission:

Neuberg Centre For Genomic Medicine, NCGM
Classification: Likely pathogenic for Rubinstein-Taybi syndrome due to CREBBP mutations. Review status: criteria provided, single submitter. Criteria: ACMG Guidelines, 2015. Collection method: clinical testing. Allele origin: germline. Affected: yes.
Comment: The frameshift deletion p.A64Lfs*23 in CREBBP (NM_004380.3) has not been reported previously as a pathogenic variant nor as a benign variant, to our knowledge. The p.A64Lfs*23 variant is novel (not in any individuals) in gnomAD Exomes and is novel (not in any individuals) in 1000 Genomes. This variant is predicted to cause loss of normal protein function through protein truncation. Loss of function variants have been reported to be previously to be disease causing. For these reasons, this variant has been classified as Likely Pathogenic.

NM_004380.3(CREBBP):c.189del (p.Ala64fs)

Gene: CREBBP (CREB binding lysine acetyltransferase; minus strand). Cytogenetic location: 16p13.3.
Variant type: Deletion.
Coding change: c.189del on transcript NM_004380.3 (MANE Select); coding-DNA position 189, one base deleted (T; older notation c.189delT).
Protein change: p.Ala64fs; shifts the reading frame from alanine 64.
Molecular consequence: frameshift variant.
Genome position (GRCh38, 1-based): chr16:3,850,906, A deleted on the plus strand (T on the coding strand, the reverse complement: CREBBP is on the minus strand). VCF-style (leftmost placement, unchanged base first): chr16-3850905-CA-C. GRCh37 (hg19) VCF-style: chr16-3900906-CA-C.
Other names: c.189del, p.Ala64fs (NM_001079846.1); short protein forms A64fs.
Identifiers: ClinVar variation 1878648 (VCV001878648.1), dbSNP rs2548546554, ClinGen allele CA2580091150.